The following is an entry in ClinVar:

ClinVar aggregate classification (germline): Uncertain significance (1 of 4 stars; one submission).

Submission:

Labcorp Genetics (formerly Invitae), Labcorp
Classification: Uncertain significance. Last evaluated: 2025-10-16. Review status: criteria provided, single submitter. Criteria: Invitae Variant Classification Sherloc (09022015). Collection method: clinical testing. Allele origin: germline.
Comment: This sequence change replaces lysine, which is basic and polar, with glutamine, which is neutral and polar, at codon 1815 of the HMCN1 protein (p.Lys1815Gln). This variant is not present in population databases (gnomAD no frequency). This variant has not been reported in the literature in individuals affected with HMCN1-related conditions. An algorithm developed to predict the effect of missense changes on protein structure and function (PolyPhen-2) suggests that this variant is likely to be tolerated. In summary, the available evidence is currently insufficient to determine the role of this variant in disease. Therefore, it has been classified as a Variant of Uncertain Significance.

NM_031935.3(HMCN1):c.5443A>C (p.Lys1815Gln)

Gene: HMCN1 (hemicentin 1; plus strand). Cytogenetic location: 1q31.1.
Variant type: single nucleotide variant.
Coding change: c.5443A>C on transcript NM_031935.3 (MANE Select); coding-DNA position 5443, A replaced by C.
Protein change: p.Lys1815Gln; replaces lysine 1815 with glutamine.
Molecular consequence: missense variant.
Genome position (GRCh38, 1-based): chr1:186,018,325, A>C. VCF-style: chr1-186018325-A-C. GRCh37 (hg19) VCF-style: chr1-185987457-A-C.
Other names: short protein forms K1815Q.
Identifiers: ClinVar variation 4767176 (VCV004767176.1).
Genomic context (GRCh38, chr1:186,018,325, plus strand): 5'-GCTCAAGTGTCAAACACAGGCCTTTATCGGTGCATGGCAGCAAATACTGCTGGAGACCAC[A>C]AGAAGGAATTTGAAGTGACTGTTCATGGTATGCTGAAGAAGGGACAGGAACTTTGCATCT-3'
Protein context (NP_114141.2, residues 1805-1825): CMAANTAGDH[Lys1815Gln]KEFEVTVHVP